The following is an entry in ClinVar:

NM_000836.4(GRIN2D):c.3910G>A (p.Gly1304Arg)

Gene: GRIN2D (glutamate ionotropic receptor NMDA type subunit 2D; plus strand). Cytogenetic location: 19q13.33.
Variant type: single nucleotide variant.
Coding change: c.3910G>A on transcript NM_000836.4 (MANE Select); coding-DNA position 3910, G replaced by A.
Protein change: p.Gly1304Arg; replaces glycine 1304 with arginine.
Molecular consequence: missense variant.
Genome position (GRCh38, 1-based): chr19:48,443,836, G>A. VCF-style: chr19-48443836-G-A. GRCh37 (hg19) VCF-style: chr19-48947093-G-A.
Other names: c.3910G>A (NM_000836.2); short protein forms G1304R.
Identifiers: ClinVar variation 1718335 (VCV001718335.8), dbSNP rs2513694394, ClinGen allele CA406678941.

ClinVar aggregate classification (germline): Uncertain significance. Review status: criteria provided, multiple submitters, no conflicts (2 of 4 stars). 2 submissions from 2 submitters: Uncertain significance (2). Last evaluated 2022-12-26.

Conditions:
Developmental and epileptic encephalopathy, 46 (DEE46). Also called: Epileptic encephalopathy, early infantile, 46; GRIN2D-Related Developmental and Epileptic Encephalopathy. Identifiers: MedGen C4310687, MONDO:0014947, OMIM 617162.

gnomAD v4.1: 3 of 1,484,888 alleles (0.0002%); highest among the groups gnomAD compares: African/African-American, 0.0015%; no homozygotes.

Submissions (2):

Revvity Omics, Revvity
Classification: Uncertain significance for Developmental and epileptic encephalopathy, 46. Last evaluated: 2022-12-26. Review status: criteria provided, single submitter. Criteria: ACMG Guidelines, 2015. Collection method: clinical testing. Allele origin: germline.

Labcorp Genetics (formerly Invitae), Labcorp
Classification: Uncertain significance. Last evaluated: 2022-08-30. Review status: criteria provided, single submitter. Criteria: Invitae Variant Classification Sherloc (09022015). Collection method: clinical testing. Allele origin: germline.
Comment: This variant has not been reported in the literature in individuals affected with GRIN2D-related conditions. This sequence change replaces glycine, which is neutral and non-polar, with arginine, which is basic and polar, at codon 1304 of the GRIN2D protein (p.Gly1304Arg). This variant is not present in population databases (gnomAD no frequency). Advanced modeling of protein sequence and biophysical properties (such as structural, functional, and spatial information, amino acid conservation, physicochemical variation, residue mobility, and thermodynamic stability) performed at Invitae indicates that this missense variant is not expected to disrupt GRIN2D protein function. In summary, the available evidence is currently insufficient to determine the role of this variant in disease. Therefore, it has been classified as a Variant of Uncertain Significance.